The following is an entry in ClinVar:

NM_032043.3(BRIP1):c.3289G>T (p.Glu1097Ter)

Gene: BRIP1 (BRCA1 interacting DNA helicase 1; minus strand). Cytogenetic location: 17q23.2.
Variant type: single nucleotide variant.
Coding change: c.3289G>T on transcript NM_032043.3 (MANE Select); coding-DNA position 3289, G replaced by T.
Protein change: p.Glu1097Ter; replaces glutamic acid 1097 with a stop codon.
Molecular consequence: nonsense.
Genome position (GRCh38, 1-based): chr17:61,683,757, C>A on the plus strand (G>T on the coding strand, the complement: BRIP1 is on the minus strand). VCF-style: chr17-61683757-C-A. GRCh37 (hg19) VCF-style: chr17-59761118-C-A.
Other names: short protein forms E1097*.
Identifiers: ClinVar variation 1494382 (VCV001494382.7), dbSNP rs770509300, ClinGen allele CA400479047.

ClinVar aggregate classification (germline): Uncertain significance (1 of 4 stars; one submission).

Conditions:
Fanconi anemia complementation group J. Also called: BRIP1-Related Fanconi Anemia. Identifiers: Orphanet 84, MedGen C1836860, MONDO:0012187, OMIM 609054.
Familial cancer of breast. Also called: BREAST CANCER, FAMILIAL; Hereditary breast cancer; hereditary breast carcinoma. Identifiers: Orphanet 227535, MedGen C0346153, MONDO:0016419, OMIM 114480. Disease mechanism: loss of function.

Submission:

Labcorp Genetics (formerly Invitae), Labcorp
Classification: Uncertain significance for Familial cancer of breast; Fanconi anemia complementation group J. Last evaluated: 2025-07-15. Review status: criteria provided, single submitter. Criteria: Invitae Variant Classification Sherloc (09022015). Collection method: clinical testing. Allele origin: germline.
Comment: This sequence change creates a premature translational stop signal (p.Glu1097*) in the BRIP1 gene. While this is not anticipated to result in nonsense mediated decay, it is expected to disrupt the last 153 amino acid(s) of the BRIP1 protein. This variant is not present in population databases (gnomAD no frequency). This variant has not been reported in the literature in individuals affected with BRIP1-related conditions. ClinVar contains an entry for this variant (Variation ID: 1494382). In summary, the available evidence is currently insufficient to determine the role of this variant in disease. Therefore, it has been classified as a Variant of Uncertain Significance.